The following is an entry in ClinVar:

NM_001271.4(CHD2):c.4219T>A (p.Ser1407Thr)

Gene: CHD2 (chromodomain helicase DNA binding protein 2; plus strand). Cytogenetic location: 15q26.1.
Variant type: single nucleotide variant.
Coding change: c.4219T>A on transcript NM_001271.4 (MANE Select); coding-DNA position 4219, T replaced by A.
Protein change: p.Ser1407Thr; replaces serine 1407 with threonine.
Molecular consequence: missense variant.
Genome position (GRCh38, 1-based): chr15:93,002,258, T>A. VCF-style: chr15-93002258-T-A. GRCh37 (hg19) VCF-style: chr15-93545488-T-A.
Other names: p.Ser1407Thr; short protein forms S1407T.
Identifiers: ClinVar variation 238881 (VCV000238881.19), dbSNP rs61756301, ClinGen allele CA7748411.
Genomic context (GRCh38, chr15:93,002,258, plus strand): 5'-CCAATGAAAAAAAAACAGAAGAAGAAAGAGAACAAGGAGAACAAGGAGAAACAAATGAGT[T>A]CTAGGAAAGACAAAGAAGGGGACAAGGAAAGAAAGAAGTCAAAAGATAAGAAAGAGAAGG-3'
Protein context (NP_001262.3, residues 1397-1417): NKENKEKQMS[Ser1407Thr]RKDKEGDKER

ClinVar aggregate classification (germline): Benign/Likely benign. Review status: criteria provided, multiple submitters, no conflicts (2 of 4 stars). 7 submissions from 7 submitters: Benign (6); Likely benign (1). Last evaluated 2026-02-03.

Conditions:
Inborn genetic diseases. Identifiers: MedGen C0950123, MeSH D030342.
Developmental and epileptic encephalopathy 94 (DEE94). Also called: CHD2-Related Neurodevelopmental Disorders; Epileptic encephalopathy, childhood-onset. Identifiers: Orphanet 1942, Orphanet 2382, MedGen C3809278, MONDO:0014150, OMIM 615369.

Allele frequency attached by ClinVar (database versions not stated): ESP Exome Variant Server 0.01224; 1000 Genomes Project 30x 0.00843; 1000 Genomes Project 0.00879; TOPMed 0.00999; gnomAD 0.01123 and 0.01179; gnomAD exomes 0.01449 and 0.01687; ExAC 0.01530.
gnomAD v4.1: 26,240 of 1,600,670 alleles (1.6%); highest among the groups gnomAD compares: South Asian, 3.1%; 307 homozygotes.

Submissions (7):

Labcorp Genetics (formerly Invitae), Labcorp
Classification: Benign for Developmental and epileptic encephalopathy 94. Last evaluated: 2026-02-03. Review status: criteria provided, single submitter. Criteria: Invitae Variant Classification Sherloc (09022015). Collection method: clinical testing. Allele origin: germline.

Athena Diagnostics
Classification: Benign. Last evaluated: 2025-02-26. Review status: criteria provided, single submitter. Criteria: Athena Diagnostics Criteria. Collection method: clinical testing. Allele origin: unknown.
Comment: The frequency of this variant in the general population is higher than would generally be expected for pathogenic variants in this gene.

Blueprint Genetics
Classification: Likely benign. Last evaluated: 2024-11-26. Review status: criteria provided, single submitter. Criteria: ACMG Guidelines, 2015. Collection method: clinical testing. Allele origin: germline.

Mayo Clinic Laboratories, Mayo Clinic
Classification: Benign. Last evaluated: 2019-04-25. Review status: criteria provided, single submitter. Criteria: ACMG Guidelines, 2015. Collection method: clinical testing. Allele origin: germline. Observed: 13 variant alleles.

Ambry Genetics
Classification: Benign for Inborn genetic diseases. Last evaluated: 2016-06-07. Review status: criteria provided, single submitter. Criteria: Ambry Variant Classification Scheme 2023. Collection method: clinical testing. Allele origin: germline.

GeneDx
Classification: Benign. Last evaluated: 2016-01-13. Review status: criteria provided, single submitter. Criteria: GeneDx Variant Classification (06012015). Collection method: clinical testing. Allele origin: germline. Affected: yes.
Comment: This variant is considered likely benign or benign based on one or more of the following criteria: it is a conservative change, it occurs at a poorly conserved position in the protein, it is predicted to be benign by multiple in silico algorithms, and/or has population frequency not consistent with disease.

Breakthrough Genomics
Classification: Benign. Review status: criteria provided, single submitter. Criteria: ACMG Guidelines, 2015. Collection method: not provided. Allele origin: germline. Inheritance: Autosomal dominant inheritance. Affected: yes.